The following is an entry in ClinVar:

NM_000152.5(GAA):c.1727G>A (p.Gly576Asp)

Gene: GAA (alpha glucosidase; plus strand). Cytogenetic location: 17q25.3.
Variant type: single nucleotide variant.
Coding change: c.1727G>A on transcript NM_000152.5 (MANE Select); coding-DNA position 1727, G replaced by A.
Protein change: p.Gly576Asp; replaces glycine 576 with aspartic acid.
Molecular consequence: missense variant.
Genome position (GRCh38, 1-based): chr17:80,112,073, G>A. VCF-style: chr17-80112073-G-A. GRCh37 (hg19) VCF-style: chr17-78085872-G-A.
Other names: c.1727G>A (LRG_673t1); c.1727G>A, p.Gly576Asp (NM_001079803.3, NM_001079804.3); short protein forms G576D.
Identifiers: ClinVar variation 526516 (VCV000526516.11), dbSNP rs1555601255, ClinGen allele CA401369098.

ClinVar aggregate classification (germline): Conflicting classifications of pathogenicity. Review status: criteria provided, conflicting classifications (1 of 4 stars). 3 submissions from 3 submitters: Likely pathogenic (1); Uncertain significance (2). Last evaluated 2026-07-01.

Conditions:
Glycogen storage disease, type II (IOPD). Also called: POMPE DISEASE, INFANTILE-ONSET; GLYCOGEN STORAGE DISEASE II, INFANTILE-ONSET; ACID ALPHA-GLUCOSIDASE DEFICIENCY, INFANTILE-ONSET; GAA DEFICIENCY, INFANTILE-ONSET; ACID MALTASE DEFICIENCY, INFANTILE-ONSET; CARDIOMEGALIA GLYCOGENICA DIFFUSA. Identifiers: Orphanet 365, MedGen C0017921, MONDO:0009290, OMIM 232300.

Allele frequency attached by ClinVar (database versions not stated): gnomAD exomes below 0.00001.
gnomAD v4.1: 2 of 1,614,018 alleles (0.00012%); highest among the groups gnomAD compares: South Asian, 0.0011%; no homozygotes.

Submissions (3):

Genomenon, Inc
Classification: Uncertain significance for Glycogen storage disease, type II. Last evaluated: 2026-07-01. Review status: criteria provided, single submitter. Criteria: Genomenon Sequence Variant Interpretation Standards - Updated. Collection method: curation. Allele origin: germline. Affected: no.
Comment: GAA p.Gly576Asp (c.1727G>A) is a missense variant that changes the amino acid at codon 576 from Glycine to Aspartic acid. This variant has been reported in the published literature (PMID:18425781;40225932;30281819;19343043). At least one functional study has demonstrated a substantial alteration in protein function relative to the wild-type (PMID:18425781). It is absent or not present at a significant frequency in gnomAD. In silico models predict that this variant is possibly or probably damaging. In conclusion, we classify GAA p.Gly576Asp (c.1727G>A) as a variant of uncertain significance.

Women's Health and Genetics/Laboratory Corporation of America, LabCorp
Classification: Likely pathogenic for Glycogen storage disease, type II. Last evaluated: 2025-04-08. Review status: criteria provided, single submitter. Criteria: LabCorp Variant Classification Summary - May 2015. Collection method: clinical testing. Allele origin: germline.
Comment: Variant summary: GAA c.1727G>A (p.Gly576Asp) results in a non-conservative amino acid change in the encoded protein sequence. Five of five in-silico tools predict a damaging effect of the variant on protein function. The variant was absent in 251298 control chromosomes. c.1727G>A has been reported in the literature in individuals affected with Glycogen Storage Disease, Type 2 (Pompe Disease) as a compound heterozygous or unknown genotype (e.g. Hahn_2015, Kroos_2008, Nino_2019). At least one publication reports experimental evidence evaluating an impact on protein function. The most pronounced variant effect results in <10% of normal enzyme activity in vitro (e.g. Kroos_2008). The following publications have been ascertained in the context of this evaluation (PMID: 25626711, 18425781, 31254424). ClinVar contains an entry for this variant (Variation ID: 526516). Based on the evidence outlined above, the variant was classified as likely pathogenic.

Labcorp Genetics (formerly Invitae), Labcorp
Classification: Uncertain significance for Glycogen storage disease, type II. Last evaluated: 2017-10-17. Review status: criteria provided, single submitter. Criteria: Invitae Variant Classification Sherloc (09022015). Collection method: clinical testing. Allele origin: germline.
Comment: This sequence change replaces glycine with aspartic acid at codon 576 of the GAA protein (p.Gly576Asp). The glycine residue is highly conserved and there is a moderate physicochemical difference between glycine and aspartic acid. This variant is not present in population databases (ExAC no frequency). This variant has been reported in an individual affected with Pompe disease (PMID: 18425781). Experimental studies have shown that this missense leads to sub celular mislocalization of the GAA protein and its loss of enzymatic activity (PMID: 18425781). In summary, the available evidence is currently insufficient to determine the role of this variant in disease. Therefore, it has been classified as a Variant of Uncertain Significance.

Literature cited by the submitters: PubMed 18425781 (cited by 3 submitters); PubMed 40225932 (cited by Genomenon, Inc); PubMed 30281819 (cited by Genomenon, Inc); PubMed 19343043 (cited by Genomenon, Inc); PubMed 25626711 (cited by Women's Health and Genetics/Laboratory Corporation of America, LabCorp); PubMed 31254424 (cited by Women's Health and Genetics/Laboratory Corporation of America, LabCorp).